The following is an entry in ClinVar:

ClinVar aggregate classification (germline): Uncertain significance. Review status: criteria provided, single submitter (1 of 4 stars). 2 submissions from 2 submitters: Uncertain significance (1). 1 of the submissions does not count toward it. Last evaluated 2025-08-03.

Conditions:
TP63-related disorder. Also called: TP63-related condition; TP63-Related Disorders. Identifiers: MedGen CN380159.
Inborn genetic diseases. Identifiers: MedGen C0950123, MeSH D030342.

gnomAD v4.1: 12 of 1,614,176 alleles (0.00074%); highest among the groups gnomAD compares: Non-Finnish European, 0.001%; no homozygotes.

Submissions (2):

Ambry Genetics
Classification: Uncertain significance for Inborn genetic diseases. Last evaluated: 2025-08-03. Review status: criteria provided, single submitter. Criteria: Ambry Variant Classification Scheme 2023. Collection method: clinical testing. Allele origin: germline.

PreventionGenetics, part of Exact Sciences
Classification: Uncertain significance for TP63-related condition. Last evaluated: 2024-03-28. Review status: no assertion criteria provided. Collection method: clinical testing. Allele origin: germline. Not counted in ClinVar's aggregate classification.
Comment: The TP63 c.587C>A variant is predicted to result in the amino acid substitution p.Thr196Asn. To our knowledge, this variant has not been reported in the literature. This variant is reported in 0.0026% of alleles in individuals of European (Non-Finnish) descent in gnomAD. At this time, the clinical significance of this variant is uncertain due to the absence of conclusive functional and genetic evidence.

NM_003722.5(TP63):c.587C>A (p.Thr196Asn)

Gene: TP63 (tumor protein p63; plus strand). Cytogenetic location: 3q28.
Variant type: single nucleotide variant.
Coding change: c.587C>A on transcript NM_003722.5 (MANE Select); coding-DNA position 587, C replaced by A.
Protein change: p.Thr196Asn; replaces threonine 196 with asparagine.
Molecular consequence: missense variant.
Genome position (GRCh38, 1-based): chr3:189,864,239, C>A. VCF-style: chr3-189864239-C-A. GRCh37 (hg19) VCF-style: chr3-189582028-C-A.
Other names: c.587C>A, p.Thr196Asn (NM_001114978.2, NM_001114979.2, NM_001329144.2 and 1 more transcripts); c.305C>A, p.Thr102Asn (NM_001114980.2, NM_001114981.2, NM_001114982.2 and 2 more transcripts); c.50C>A, p.Thr17Asn (NM_001329146.2, NM_001329150.2); c.581C>A, p.Thr194Asn (NM_001329964.2); short protein forms T102N, T17N, T194N, T196N.
Identifiers: ClinVar variation 2635068 (VCV002635068.3), dbSNP rs568772953, ClinGen allele CA2752211.